The following is an entry in ClinVar:

ClinVar aggregate classification (germline): Uncertain significance (1 of 4 stars; one submission).

Submission:

Labcorp Genetics (formerly Invitae), Labcorp
Classification: Uncertain significance. Last evaluated: 2023-04-09. Review status: criteria provided, single submitter. Criteria: Invitae Variant Classification Sherloc (09022015). Collection method: clinical testing. Allele origin: germline.
Comment: Advanced modeling of protein sequence and biophysical properties (such as structural, functional, and spatial information, amino acid conservation, physicochemical variation, residue mobility, and thermodynamic stability) performed at Invitae indicates that this missense variant is expected to disrupt CACNA1F protein function. This variant has not been reported in the literature in individuals affected with CACNA1F-related conditions. This variant is not present in population databases (gnomAD no frequency). This sequence change replaces arginine, which is basic and polar, with glycine, which is neutral and non-polar, at codon 1110 of the CACNA1F protein (p.Arg1110Gly). In summary, the available evidence is currently insufficient to determine the role of this variant in disease. Therefore, it has been classified as a Variant of Uncertain Significance.

NM_001256789.3(CACNA1F):c.3295C>G (p.Arg1099Gly)

Gene: CACNA1F (calcium voltage-gated channel subunit alpha1 F; minus strand). Cytogenetic location: Xp11.23.
Variant type: single nucleotide variant.
Coding change: c.3295C>G on transcript NM_001256789.3 (MANE Select); coding-DNA position 3295, C replaced by G.
Protein change: p.Arg1099Gly; replaces arginine 1099 with glycine.
Molecular consequence: missense variant.
Genome position (GRCh38, 1-based): chrX:49,215,485, G>C on the plus strand (C>G on the coding strand, the complement: CACNA1F is on the minus strand). VCF-style: chrX-49215485-G-C. GRCh37 (hg19) VCF-style: chrX-49071945-G-C.
Other names: c.3133C>G, p.Arg1045Gly (NM_001256790.3); c.3328C>G, p.Arg1110Gly (NM_005183.4); short protein forms R1099G, R1045G, R1110G.
Identifiers: ClinVar variation 2854373 (VCV002854373.3), dbSNP rs2065704524, ClinGen allele CA412963707.